The following is an entry in ClinVar:

NM_018896.5(CACNA1G):c.1842T>G (p.Ser614=)

Gene: CACNA1G (calcium voltage-gated channel subunit alpha1 G; plus strand). Cytogenetic location: 17q21.33.
Variant type: single nucleotide variant.
Coding change: c.1842T>G on transcript NM_018896.5 (MANE Select); coding-DNA position 1842, T replaced by G.
Protein change: p.Ser614=; no amino-acid change (serine 614 retained).
Molecular consequence: synonymous variant. On other transcripts: non-coding transcript variant (5).
Genome position (GRCh38, 1-based): chr17:50,576,244, T>G. VCF-style: chr17-50576244-T-G. GRCh37 (hg19) VCF-style: chr17-48653605-T-G.
Other names: c.1842T>G, p.Ser614= (NM_001256324.2, NM_001256325.2, NM_001256326.2 and 24 more transcripts).
Identifiers: ClinVar variation 2647904 (VCV002647904.24), dbSNP rs2544876137, ClinGen allele CA500867470.

ClinVar aggregate classification (germline): Likely benign (1 of 4 stars; one submission).

Submission:

CeGaT Center for Human Genetics Tuebingen
Classification: Likely benign. Last evaluated: 2022-07-01. Review status: criteria provided, single submitter. Criteria: CeGaT Center For Human Genetics Tuebingen Variant Classification Criteria Version 2. Collection method: clinical testing. Allele origin: germline. Affected: yes. Observed: 1 variant allele.
Comment: CACNA1G: PM2:Supporting, BP4, BP7